The following is an entry in ClinVar:

NM_005068.3(SIM1):c.1239C>T (p.Asp413=)

Genes: SIM1 (SIM bHLH transcription factor 1; minus strand), SIM1-AS1 (SIM1 antisense RNA 1; plus strand). Cytogenetic location: 6q16.3.
Variant type: single nucleotide variant.
Coding change: c.1239C>T on transcript NM_005068.3 (MANE Select); coding-DNA position 1239, C replaced by T.
Protein change: p.Asp413=; no amino-acid change (aspartic acid 413 retained).
Molecular consequence: synonymous variant. On other transcripts: non-coding transcript variant (1).
Genome position (GRCh38, 1-based): chr6:100,393,818, G>A on the plus strand (C>T on the coding strand, the complement: SIM1 is on the minus strand). VCF-style: chr6-100393818-G-A. GRCh37 (hg19) VCF-style: chr6-100841694-G-A.
Other names: c.1239C>T, p.Asp413= (NM_001374769.1).
Identifiers: ClinVar variation 3351232 (VCV003351232.1).

ClinVar aggregate classification (germline): Likely benign (0 of 4 stars; one submission).

Conditions:
SIM1-related disorder. Also called: SIM1-related condition; SIM1-related disorders.

gnomAD v4.1: 6 of 1,612,542 alleles (0.00037%); highest among the groups gnomAD compares: Admixed American, 0.0067%; no homozygotes.

Submission:

PreventionGenetics, part of Exact Sciences
Classification: Likely benign for SIM1-related condition. Last evaluated: 2024-08-20. Review status: no assertion criteria provided. Collection method: clinical testing. Allele origin: germline.
Comment: This variant is classified as likely benign based on ACMG/AMP sequence variant interpretation guidelines (Richards et al. 2015 PMID: 25741868, with internal and published modifications).